The following is an entry in ClinVar:

NM_006097.5(MYL9):c.184+2_184+10del

Genes: DLGAP4-AS1 (DLGAP4 antisense RNA 1; minus strand), MYL9 (myosin light chain 9; plus strand). Cytogenetic location: 20q11.23.
Variant type: Deletion.
Coding change: c.184+2_184+10del on transcript NM_006097.5 (MANE Select); the canonical splice donor site of the intron after coding-DNA position 184 through 10 bases into the intron after coding-DNA position 184, 9 bases deleted (TGAGCTGGG; older notation c.184+2_184+10delTGAGCTGGG).
Molecular consequence: splice donor variant.
Genome position (GRCh38, 1-based): chr20:36,545,070-36,545,078, TGAGCTGGG deleted; deleting any 9 consecutive bases within chr20:36,545,064-36,545,078 gives the same sequence; the c. name uses the placement nearest the transcript's 3' end. VCF-style (leftmost placement, unchanged base first): chr20-36545063-CGCTGGGTGA-C. GRCh37 (hg19) VCF-style: chr20-35173466-CGCTGGGTGA-C.
Other names: c.184+2_184+10del (NM_181526.3); c.184+2_184+10delTGAGCTGGG (NM_006097.3).
Identifiers: ClinVar variation 818204 (VCV000818204.5), dbSNP rs1569529545, ClinGen allele CA635384389.
Genomic context (GRCh38, chr20:36,545,063, plus strand): 5'-TGATTGACCAGAACCGTGATGGCTTCATTGACAAGGAGGACCTGCACGACATGCTGGCCT[CGCTGGGTGA>C]GCTGGGACAGGGACAGGGGTGAGATGGATGAGGCCAGGCAGGCTCTGCCAATCATTTACA-3'

ClinVar aggregate classification (germline): Conflicting classifications of pathogenicity. Review status: criteria provided, conflicting classifications (1 of 4 stars). 3 submissions from 3 submitters: Likely pathogenic (1); Uncertain significance (1). 1 of the submissions does not count toward it. Last evaluated 2025-03-03.

Conditions:
Visceral myopathy 1 (VSCM1). Also called: ACTG2 Visceral Myopathy; Visceral myopathy; Infantile visceral myopathy. Identifiers: Orphanet 2604, MedGen C5542197, MONDO:0020754, OMIM 155310.
Megacystis-microcolon-intestinal hypoperistalsis syndrome 4. Identifiers: MedGen C5543519, MONDO:0030296, OMIM 619365.

Submissions (3):

Ambry Genetics
Classification: Likely pathogenic. Last evaluated: 2025-03-03. Review status: criteria provided, single submitter. Criteria: Ambry Variant Classification Scheme 2023. Collection method: clinical testing. Allele origin: germline.
Comment: The c.184+2_184+10delTGAGCTGGG intronic alteration results from a deletion beginning two nucleotides after coding exon 1 of the MYL9 gene. The stop codon in a predicted resulting transcript occurs in the 5' end of the MYL9 gene. As such, this alteration may escape nonsense-mediated mRNA decay and/or be prone to rescue by reinitiation (Rivas, 2015; Lindeboom, 2016; Rhee, 2017). The exact functional effect of this alteration is unknown; however, a significant portion of the protein is affected (Ambry internal data). Based on data from gnomAD, the deleted allele has an overall frequency of 0.001% (2/250924) total alleles studied. The highest observed frequency was 0.003% (1/34540) of Latino alleles. This variant has been identified in the homozygous state and/or in conjunction with other MYL9 variant(s) in individual(s) with features consistent with MYL9-related megacystis-microcolon-intestinal hypoperistalsis syndrome (Kandler, 2020). The +2 nucleotide position is highly conserved in available vertebrate species. In silico splice site analysis predicts that this alteration will weaken the native splice donor site and may result in the creation or strengthening of a novel splice donor site. Based on the available evidence, this alteration is classified as likely pathogenic.

Fulgent Genetics
Classification: Uncertain significance for Megacystis, microcolon, hypoperistalsis syndrome. Last evaluated: 2020-02-26. Review status: criteria provided, single submitter. Criteria: ACMG Guidelines, 2015. Collection method: clinical testing. Allele origin: paternal. Inheritance: Autosomal recessive inheritance. Affected: yes. Observed: 1 heterozygote.
Comment: This intronic variant alters the highly conserved splice donor site for exon 2 of this transcript and is predicted by five splice site prediction tools queried to abolish canonical splice donor activity. This variant is expected to result in altered function of the MYL9 gene product as a result of aberrant splicing. This variant has been observed at a frequency of less than 0.01% (2/245706 alleles) across the entire Broad data set (individuals without severe childhood onset disease).

OMIM
Classification: Pathogenic for MEGACYSTIS-MICROCOLON-INTESTINAL HYPOPERISTALSIS SYNDROME 4 (1 patient). Last evaluated: 2021-06-16. Review status: no assertion criteria provided. Collection method: literature only. Allele origin: germline. Not counted in ClinVar's aggregate classification.

Literature cited by the submitters: PubMed 25954003 (cited by Ambry Genetics); PubMed 27618451 (cited by Ambry Genetics); PubMed 28490743 (cited by Ambry Genetics); PubMed 33031641 (cited by Ambry Genetics and OMIM); PubMed 21293372 (cited by OMIM).